The following is an entry in ClinVar:

NM_001375567.1(FOCAD):c.1523A>T (p.Asp508Val)

Gene: FOCAD (focadhesin; plus strand). Cytogenetic location: 9p21.3.
Variant type: single nucleotide variant.
Coding change: c.1523A>T on transcript NM_001375567.1 (MANE Select); coding-DNA position 1523, A replaced by T.
Protein change: p.Asp508Val; replaces aspartic acid 508 with valine.
Molecular consequence: missense variant. On other transcripts: intron variant (1).
Genome position (GRCh38, 1-based): chr9:20,819,863, A>T. VCF-style: chr9-20819863-A-T. GRCh37 (hg19) VCF-style: chr9-20819862-A-T.
Other names: c.1418A>T, p.Asp473Val (NM_001375570.1); c.1523A>T, p.Asp508Val (NM_017794.5); c.1456-461A>T (NM_001375568.1); short protein forms D473V, D508V.
Identifiers: ClinVar variation 3631709 (VCV003631709.2).

ClinVar aggregate classification (germline): Uncertain significance (1 of 4 stars; one submission).

gnomAD v4.1: 1 of 1,548,762 alleles (0.000065%); highest among the groups gnomAD compares: Admixed American, 0.002%; no homozygotes.

Submission:

Labcorp Genetics (formerly Invitae), Labcorp
Classification: Uncertain significance. Last evaluated: 2026-01-25. Review status: criteria provided, single submitter. Criteria: Invitae Variant Classification Sherloc (09022015). Collection method: clinical testing. Allele origin: germline.
Comment: This sequence change replaces aspartic acid, which is acidic and polar, with valine, which is neutral and non-polar, at codon 508 of the FOCAD protein (p.Asp508Val). This variant is present in population databases (rs747790934, gnomAD 0.007%). This variant has not been reported in the literature in individuals affected with FOCAD-related conditions. ClinVar contains an entry for this variant (Variation ID: 3631709). Experimental studies and prediction algorithms are not available or were not evaluated, and the functional significance of this variant is currently unknown. In summary, the available evidence is currently insufficient to determine the role of this variant in disease. Therefore, it has been classified as a Variant of Uncertain Significance.